The following is an entry in ClinVar:

ClinVar aggregate classification (germline): Uncertain significance. Review status: criteria provided, single submitter (1 of 4 stars). 2 submissions from 2 submitters: Uncertain significance (1). 1 of the submissions does not count toward it. Last evaluated 2024-12-12.

Conditions:
MAGEL2-related disorder. Also called: MAGEL2-related condition.

Submissions (2):

Labcorp Genetics (formerly Invitae), Labcorp
Classification: Uncertain significance. Last evaluated: 2024-12-12. Review status: criteria provided, single submitter. Criteria: Invitae Variant Classification Sherloc (09022015). Collection method: clinical testing. Allele origin: germline.
Comment: This variant, c.1428_1469del, results in the deletion of 14 amino acid(s) of the MAGEL2 protein (p.Val478_Pro491del), but otherwise preserves the integrity of the reading frame. This variant is not present in population databases (gnomAD no frequency). This variant has not been reported in the literature in individuals affected with MAGEL2-related conditions. ClinVar contains an entry for this variant (Variation ID: 2971154). Experimental studies and prediction algorithms are not available or were not evaluated, and the functional significance of this variant is currently unknown. In summary, the available evidence is currently insufficient to determine the role of this variant in disease. Therefore, it has been classified as a Variant of Uncertain Significance.

PreventionGenetics, part of Exact Sciences
Classification: Uncertain significance for MAGEL2-related condition. Last evaluated: 2024-07-23. Review status: no assertion criteria provided. Collection method: clinical testing. Allele origin: germline. Not counted in ClinVar's aggregate classification.
Comment: The MAGEL2 c.1428_1469del42 variant is predicted to result in an in-frame deletion (p.Val478_Pro491del). To our knowledge, this variant has not been reported in the literature or in a large population database, indicating this variant is rare. At this time, the clinical significance of this variant is uncertain due to the absence of conclusive functional and genetic evidence.

NM_019066.5(MAGEL2):c.1428_1469del (p.464VIRQAPP[2])

Gene: MAGEL2 (MAGE family member L2; minus strand). Cytogenetic location: 15q11.2.
Variant type: Deletion.
Coding change: c.1428_1469del on transcript NM_019066.5 (MANE Select); coding-DNA positions 1428 to 1469, 42 bases deleted.
Protein change: p.464VIRQAPP[2].
Molecular consequence: inframe deletion.
Genome position (GRCh38, 1-based): chr15:23,646,274-23,646,315, 42 bases deleted; deleting any 42 consecutive bases within chr15:23,646,274-23,646,338 gives the same sequence; the c. name uses the placement nearest the transcript's 3' end. GRCh37 (hg19): chr15:23,891,444-23,891,485.
Other names: c.1428_1469del42 (NM_019066.4).
Identifiers: ClinVar variation 2971154 (VCV002971154.4), dbSNP rs2503980607, ClinGen allele CA617084251.